The following is an entry in ClinVar:

ClinVar aggregate classification (germline): Likely benign (1 of 4 stars; one submission).

Conditions:
Arrhythmogenic cardiomyopathy with wooly hair and keratoderma. Also called: PALMOPLANTAR KERATODERMA WITH LEFT VENTRICULAR CARDIOMYOPATHY AND WOOLLY HAIR; Carvajal syndrome; Dilated cardiomyopathy with woolly hair and keratoderma; Arrhythmogenic cardiomyopathy with woolly hair and keratoderma. Identifiers: Orphanet 65282, MedGen C1854063, MONDO:0011581, OMIM 605676.

Submission:

All of Us Research Program, National Institutes of Health
Classification: Likely benign for Arrhythmogenic cardiomyopathy with wooly hair and keratoderma. Last evaluated: 2023-09-04. Review status: criteria provided, single submitter. Criteria: ACMG Guidelines, 2015. Collection method: clinical testing. Allele origin: germline. Inheritance: Autosomal dominant inheritance. Observed: 1 variant allele, 1 heterozygote.
Comment: This study involves interpretation of variants in research participants for the purpose of population health screening. Participant phenotype was not available at the time of variant classification. Additional details can be found in publication PMID: 35346344, PMCID: PMC8962531

NM_004415.4(DSP):c.1365C>T (p.Tyr455=)

Gene: DSP (desmoplakin; plus strand). Cytogenetic location: 6p24.3.
Variant type: single nucleotide variant.
Coding change: c.1365C>T on transcript NM_004415.4 (MANE Select); coding-DNA position 1365, C replaced by T.
Protein change: p.Tyr455=; no amino-acid change (tyrosine 455 retained).
Molecular consequence: synonymous variant.
Genome position (GRCh38, 1-based): chr6:7,568,535, C>T. VCF-style: chr6-7568535-C-T. GRCh37 (hg19) VCF-style: chr6-7568768-C-T.
Other names: c.1365C>T, p.Tyr455= (NM_001008844.3, NM_001319034.2, NM_001406591.1).
Identifiers: ClinVar variation 3073350 (VCV003073350.1), dbSNP rs2533884358, ClinGen allele CA448522014.
Genomic context (GRCh38, chr6:7,568,535, plus strand): 5'-GCAGAACTTGGTAAACAAGTCTAAGAAGATTGTACAGCTGAAGCCTCGTAACCCAGACTA[C>T]AGAAGCAATAAACCCATTATTCTCAGAGCTCTCTGTGACTACAAACAAGATCAGGTGTGT-3'
Protein context (NP_004406.2, residues 445-465): IVQLKPRNPD[Tyr455=]RSNKPIILRA